The following is an entry in ClinVar:

NM_000268.4(NF2):c.1685A>T (p.His562Leu)

Gene: NF2 (NF2, moesin-ezrin-radixin like (MERLIN) tumor suppressor; plus strand). Cytogenetic location: 22q12.2.
Variant type: single nucleotide variant.
Coding change: c.1685A>T on transcript NM_000268.4 (MANE Select); coding-DNA position 1685, A replaced by T.
Protein change: p.His562Leu; replaces histidine 562 with leucine.
Molecular consequence: missense variant. On other transcripts: non-coding transcript variant (1), intron variant (1).
Genome position (GRCh38, 1-based): chr22:29,681,549, A>T. VCF-style: chr22-29681549-A-T. GRCh37 (hg19) VCF-style: chr22-30077538-A-T.
Other names: c.1685A>T, p.His562Leu (NM_016418.5, NM_181825.3, NM_181832.3); c.1559A>T, p.His520Leu (NM_181828.3); c.1562A>T, p.His521Leu (NM_181829.3); c.1436A>T, p.His479Leu (NM_181830.3, NM_181831.3); c.448-13203A>T (NM_181833.3); short protein forms H562L, H520L, H479L, H521L.
Identifiers: ClinVar variation 237623 (VCV000237623.16), dbSNP rs878853926, ClinGen allele CA10583925.

ClinVar aggregate classification (germline): Uncertain significance. Review status: criteria provided, multiple submitters, no conflicts (2 of 4 stars). 3 submissions from 3 submitters: Uncertain significance (3). Last evaluated 2025-11-05.

Conditions:
Hereditary cancer-predisposing syndrome. Also called: Tumor predisposition; Hereditary neoplastic syndrome; Neoplastic Syndromes, Hereditary; Hereditary Cancer Syndrome. Identifiers: Orphanet 140162, MedGen C0027672, MeSH D009386, MONDO:0015356.
Neurofibromatosis, type 2 (SWNV). Also called: BILATERAL ACOUSTIC NEUROFIBROMATOSIS; NF2-Related Schwannomatosis; SCHWANNOMATOSIS, VESTIBULAR. Identifiers: Orphanet 637, MedGen C0027832, MONDO:0007039, OMIM 101000. Disease mechanism: loss of function.

Allele frequency attached by ClinVar (database versions not stated): gnomAD exomes below 0.00001.
gnomAD v4.1: 2 of 1,614,240 alleles (0.00012%); highest among the groups gnomAD compares: Non-Finnish European, 0.00017%; no homozygotes.

Submissions (3):

Ambry Genetics
Classification: Uncertain significance for Hereditary cancer-predisposing syndrome. Last evaluated: 2025-11-05. Review status: criteria provided, single submitter. Criteria: Ambry Variant Classification Scheme 2023. Collection method: clinical testing. Allele origin: germline.
Comment: The p.H562L variant (also known as c.1685A>T), located in coding exon 15 of the NF2 gene, results from an A to T substitution at nucleotide position 1685. The histidine at codon 562 is replaced by leucine, an amino acid with similar properties. This amino acid position is highly conserved in available vertebrate species. In addition, this alteration is predicted to be deleterious by in silico analysis. Since supporting evidence is limited at this time, the clinical significance of this alteration remains unclear.

All of Us Research Program, National Institutes of Health
Classification: Uncertain significance for Neurofibromatosis, type 2. Last evaluated: 2023-10-02. Review status: criteria provided, single submitter. Criteria: ACMG Guidelines, 2015. Collection method: clinical testing. Allele origin: germline. Inheritance: Autosomal dominant inheritance. Observed: 1 variant allele, 1 heterozygote.
Comment: This missense variant replaces histidine with leucine at codon 562 of the NF2 protein. Computational prediction suggests that this variant may have deleterious impact on protein structure and function (internally defined REVEL score threshold >= 0.7, PMID: 27666373). To our knowledge, functional studies have not been reported for this variant. This variant has not been reported in individuals affected with NF2-related disorders in the literature. This variant has not been identified in the general population by the Genome Aggregation Database (gnomAD). The available evidence is insufficient to determine the role of this variant in disease conclusively. Therefore, this variant is classified as a Variant of Uncertain Significance.

This study involves interpretation of variants in research participants for the purpose of population health screening. Participant phenotype was not available at the time of variant classification. Additional details can be found in publication PMID: 35346344, PMCID: PMC8962531

Labcorp Genetics (formerly Invitae), Labcorp
Classification: Uncertain significance for Neurofibromatosis, type 2. Last evaluated: 2023-04-08. Review status: criteria provided, single submitter. Criteria: Invitae Variant Classification Sherloc (09022015). Collection method: clinical testing. Allele origin: germline.
Comment: In summary, the available evidence is currently insufficient to determine the role of this variant in disease. Therefore, it has been classified as a Variant of Uncertain Significance. Advanced modeling of protein sequence and biophysical properties (such as structural, functional, and spatial information, amino acid conservation, physicochemical variation, residue mobility, and thermodynamic stability) performed at Invitae indicates that this missense variant is not expected to disrupt NF2 protein function. ClinVar contains an entry for this variant (Variation ID: 237623). This variant has not been reported in the literature in individuals affected with NF2-related conditions. This variant is not present in population databases (gnomAD no frequency). This sequence change replaces histidine, which is basic and polar, with leucine, which is neutral and non-polar, at codon 562 of the NF2 protein (p.His562Leu).